The following is an entry in ClinVar:

ClinVar aggregate classification (germline): Uncertain significance (1 of 4 stars; one submission).

Conditions:
Eichsfeld type congenital muscular dystrophy (CMYO3). Also called: MYOPATHY, SEPN1-RELATED; SELENON-related myopathy; Congenital myopathy 3 with rigid spine; Rigid spine muscular dystrophy 1. Identifiers: MedGen C0410180, MONDO:0100100, OMIM 602771.

gnomAD v4.1: 3 of 1,613,976 alleles (0.00019%); highest among the groups gnomAD compares: Non-Finnish European, 0.00025%; no homozygotes.

Submission:

Labcorp Genetics (formerly Invitae), Labcorp
Classification: Uncertain significance for Eichsfeld type congenital muscular dystrophy. Last evaluated: 2021-10-23. Review status: criteria provided, single submitter. Criteria: Invitae Variant Classification Sherloc (09022015). Collection method: clinical testing. Allele origin: germline.
Comment: In summary, the available evidence is currently insufficient to determine the role of this variant in disease. Therefore, it has been classified as a Variant of Uncertain Significance. Algorithms developed to predict the effect of missense changes on protein structure and function (SIFT, PolyPhen-2, Align-GVGD) all suggest that this variant is likely to be disruptive. This variant has not been reported in the literature in individuals affected with SELENON-related conditions. This variant is not present in population databases (ExAC no frequency). This sequence change replaces glycine with cysteine at codon 360 of the SELENON protein (p.Gly360Cys). The glycine residue is highly conserved and there is a large physicochemical difference between glycine and cysteine.

NM_206926.2(SELENON):c.976G>T (p.Gly326Cys)

Gene: SELENON (selenoprotein N; plus strand). Cytogenetic location: 1p36.11.
Variant type: single nucleotide variant.
Coding change: c.976G>T on transcript NM_206926.2 (MANE Select); coding-DNA position 976, G replaced by T.
Protein change: p.Gly326Cys; replaces glycine 326 with cysteine.
Molecular consequence: missense variant.
Genome position (GRCh38, 1-based): chr1:25,811,521, G>T. VCF-style: chr1-25811521-G-T. GRCh37 (hg19) VCF-style: chr1-26138012-G-T.
Other names: c.1078G>T, p.Gly360Cys (NM_020451.3); short protein forms G326C, G360C.
Identifiers: ClinVar variation 1429810 (VCV001429810.6), dbSNP rs761873230, ClinGen allele CA339116544.